The following is an entry in ClinVar:

ClinVar aggregate classification (germline): Pathogenic/Likely pathogenic. Review status: criteria provided, multiple submitters, no conflicts (2 of 4 stars). 2 submissions from 2 submitters: Pathogenic (1); Likely pathogenic (1). Last evaluated 2022-09-26.

Conditions:
Hereditary breast ovarian cancer syndrome. Also called: Hereditary breast and ovarian cancer syndrome (HBOC); Hereditary breast and/or ovarian cancer syndrome; Hereditary breast and ovarian cancer; BRCA1- and BRCA2-Associated Hereditary Breast and Ovarian Cancer; Hereditary breast and ovarian cancer syndrome; Breast and ovarian cancer. Identifiers: Orphanet 145, MedGen C0677776, MeSH D061325, MONDO:0003582. Disease mechanism: loss of function.
Familial cancer of breast. Also called: Hereditary breast cancer; hereditary breast carcinoma; BREAST CANCER, FAMILIAL. Identifiers: Orphanet 227535, MedGen C0346153, MONDO:0016419, OMIM 114480. Disease mechanism: loss of function.

Submissions (2):

Baylor Genetics
Classification: Likely pathogenic for Familial cancer of breast. Last evaluated: 2022-09-26. Review status: criteria provided, single submitter. Criteria: ACMG Guidelines, 2015. Collection method: clinical testing. Allele origin: unknown.

Labcorp Genetics (formerly Invitae), Labcorp
Classification: Pathogenic for Hereditary breast ovarian cancer syndrome. Last evaluated: 2022-09-14. Review status: criteria provided, single submitter. Criteria: Invitae Variant Classification Sherloc (09022015). Collection method: clinical testing. Allele origin: germline.
Comment: ClinVar contains an entry for this variant (Variation ID: 1074236). This sequence change creates a premature translational stop signal (p.Ser1961Valfs*2) in the BRCA2 gene. It is expected to result in an absent or disrupted protein product. Loss-of-function variants in BRCA2 are known to be pathogenic (PMID: 20104584). This variant is not present in population databases (gnomAD no frequency). This variant has not been reported in the literature in individuals affected with BRCA2-related conditions. For these reasons, this variant has been classified as Pathogenic.

Literature cited by the submitters: PubMed 20104584 (cited by Labcorp Genetics (formerly Invitae), Labcorp).

NM_000059.4(BRCA2):c.5881del (p.Ser1961fs)

Gene: BRCA2 (BRCA2 DNA repair associated; plus strand). Cytogenetic location: 13q13.1.
Variant type: Deletion.
Coding change: c.5881del on transcript NM_000059.4 (MANE Select); coding-DNA position 5881, one base deleted (A; older notation c.5881delA).
Protein change: p.Ser1961fs; shifts the reading frame from serine 1961.
Molecular consequence: frameshift variant.
Genome position (GRCh38, 1-based): chr13:32,340,236, A deleted. VCF-style (leftmost placement, unchanged base first): chr13-32340235-TA-T. GRCh37 (hg19) VCF-style: chr13-32914372-TA-T.
Other names: short protein forms S1961fs.
Identifiers: ClinVar variation 1074236 (VCV001074236.8), dbSNP rs2137521963, ClinGen allele CA2499222215.